The following is an entry in ClinVar:

ClinVar aggregate classification (germline): Uncertain significance (1 of 4 stars; one submission).

Allele frequency attached by ClinVar (database versions not stated): TOPMed below 0.00001.
gnomAD v4.1: 5 of 1,556,724 alleles (0.00032%); highest among the groups gnomAD compares: East Asian, 0.0022%; no homozygotes.

Submission:

Labcorp Genetics (formerly Invitae), Labcorp
Classification: Uncertain significance. Last evaluated: 2023-05-08. Review status: criteria provided, single submitter. Criteria: Invitae Variant Classification Sherloc (09022015). Collection method: clinical testing. Allele origin: germline.
Comment: In summary, the available evidence is currently insufficient to determine the role of this variant in disease. Therefore, it has been classified as a Variant of Uncertain Significance. Algorithms developed to predict the effect of sequence changes on RNA splicing suggest that this variant may disrupt the consensus splice site. ClinVar contains an entry for this variant (Variation ID: 2060055). This variant has not been reported in the literature in individuals affected with TAF2-related conditions. This variant is not present in population databases (gnomAD no frequency). This sequence change falls in intron 12 of the TAF2 gene. It does not directly change the encoded amino acid sequence of the TAF2 protein.

NM_003184.4(TAF2):c.1569-9A>G

Gene: TAF2 (TATA-box binding protein associated factor 2; minus strand). Cytogenetic location: 8q24.12.
Variant type: single nucleotide variant.
Coding change: c.1569-9A>G on transcript NM_003184.4 (MANE Select); 9 bases into the intron before coding-DNA position 1569, A replaced by G.
Molecular consequence: intron variant.
Genome position (GRCh38, 1-based): chr8:119,788,913, T>C on the plus strand (A>G on the coding strand, the complement: TAF2 is on the minus strand). VCF-style: chr8-119788913-T-C. GRCh37 (hg19) VCF-style: chr8-120801153-T-C.
Identifiers: ClinVar variation 2060055 (VCV002060055.2), dbSNP rs761933378, ClinGen allele CA1814889442.